The following is an entry in ClinVar:

ClinVar aggregate classification (germline): Uncertain significance (1 of 4 stars; one submission).

Conditions:
Hereditary cancer-predisposing syndrome. Also called: Hereditary neoplastic syndrome; Neoplastic Syndromes, Hereditary; Tumor predisposition; Hereditary Cancer Syndrome. Identifiers: Orphanet 140162, MedGen C0027672, MeSH D009386, MONDO:0015356.

Submission:

Labcorp Genetics (formerly Invitae), Labcorp
Classification: Uncertain significance for Hereditary cancer-predisposing syndrome. Last evaluated: 2021-07-11. Review status: criteria provided, single submitter. Criteria: Invitae Variant Classification Sherloc (09022015). Collection method: clinical testing. Allele origin: germline.
Comment: In summary, the available evidence is currently insufficient to determine the role of this variant in disease. Therefore, it has been classified as a Variant of Uncertain Significance. This sequence change affects codon 114 of the RAD50 mRNA. It is a 'silent' change, meaning that it does not change the encoded amino acid sequence of the RAD50 protein. This variant is not present in population databases (ExAC no frequency). This variant has not been reported in the literature in individuals affected with RAD50-related conditions. Algorithms developed to predict the effect of sequence changes on RNA splicing suggest that this variant may create or strengthen a splice site.

NM_005732.4(RAD50):c.342G>A (p.Leu114=)

Gene: RAD50 (RAD50 double strand break repair protein; plus strand). Cytogenetic location: 5q31.1.
Variant type: single nucleotide variant.
Coding change: c.342G>A on transcript NM_005732.4 (MANE Select); coding-DNA position 342, G replaced by A.
Protein change: p.Leu114=; no amino-acid change (leucine 114 retained).
Molecular consequence: synonymous variant.
Genome position (GRCh38, 1-based): chr5:132,575,905, G>A. VCF-style: chr5-132575905-G-A. GRCh37 (hg19) VCF-style: chr5-131911597-G-A.
Identifiers: ClinVar variation 1509777 (VCV001509777.8), dbSNP rs2149836467, ClinGen allele CA446351976.